The following is an entry in ClinVar:

ClinVar aggregate classification (germline): Likely benign (0 of 4 stars; one submission).

Conditions:
PKD1L1-related disorder. Also called: PKD1L1-related condition.

Allele frequency attached by ClinVar (database versions not stated): TOPMed 0.00002.

Submission:

PreventionGenetics, part of Exact Sciences
Classification: Likely benign for PKD1L1-related condition. Last evaluated: 2021-11-17. Review status: no assertion criteria provided. Collection method: clinical testing. Allele origin: germline.
Comment: This variant is classified as likely benign based on ACMG/AMP sequence variant interpretation guidelines (Richards et al. 2015 PMID: 25741868, with internal and published modifications).

NM_138295.5(PKD1L1):c.2658C>T (p.Tyr886=)

Gene: PKD1L1 (polycystin 1 like 1, transient receptor potential channel interacting; minus strand). Cytogenetic location: 7p12.3.
Variant type: single nucleotide variant.
Coding change: c.2658C>T on transcript NM_138295.5 (MANE Select); coding-DNA position 2658, C replaced by T.
Protein change: p.Tyr886=; no amino-acid change (tyrosine 886 retained).
Molecular consequence: synonymous variant.
Genome position (GRCh38, 1-based): chr7:47,890,559, G>A on the plus strand (C>T on the coding strand, the complement: PKD1L1 is on the minus strand). VCF-style: chr7-47890559-G-A. GRCh37 (hg19) VCF-style: chr7-47930157-G-A.
Identifiers: ClinVar variation 3028951 (VCV003028951.2), dbSNP rs1433871776, ClinGen allele CA454917295.